The following is an entry in ClinVar:

NM_018941.4(CLN8):c.358G>A (p.Ala120Thr)

Gene: CLN8 (CLN8 transmembrane ER and ERGIC protein; plus strand). Cytogenetic location: 8p23.3.
Variant type: single nucleotide variant.
Coding change: c.358G>A on transcript NM_018941.4 (MANE Select); coding-DNA position 358, G replaced by A.
Protein change: p.Ala120Thr; replaces alanine 120 with threonine.
Molecular consequence: missense variant.
Genome position (GRCh38, 1-based): chr8:1,771,412, G>A. VCF-style: chr8-1771412-G-A. GRCh37 (hg19) VCF-style: chr8-1719578-G-A.
Other names: short protein forms A120T.
Identifiers: ClinVar variation 453140 (VCV000453140.2), dbSNP rs1353274959, ClinGen allele CA369953401.

ClinVar aggregate classification (germline): Uncertain significance (1 of 4 stars; one submission).

Allele frequency attached by ClinVar (database versions not stated): TOPMed below 0.00001; gnomAD 0.00001; gnomAD exomes below 0.00001.
gnomAD v4.1: 4 of 1,614,062 alleles (0.00025%); highest among the groups gnomAD compares: African/African-American, 0.0027%; no homozygotes.

Submission:

GeneDx
Classification: Uncertain significance. Last evaluated: 2017-11-07. Review status: criteria provided, single submitter. Criteria: GeneDx Variant Classification (06012015). Collection method: clinical testing. Allele origin: germline. Affected: yes.
Comment: A variant of uncertain significance has been identified in the CLN8 gene. The A120T variant has not been published as a pathogenic variant, nor has it been reported as a benign variant to our knowledge. The A120T variant is not observed at a significant frequency in large population cohorts (Lek et al., 2016). The A120T variant is a non-conservative amino acid substitution, which is likely to impact secondary protein structure as these residues differ in polarity, charge, size and/or other properties. Additionally, this substitution occurs at a position that is conserved across species, and in silico analysis predicts this variant is probably damaging to the protein structure/function.Based on the currently available information, it is unclear whether this variant is a pathogenic variant or a rare benign variant.